The following is an entry in ClinVar:

NM_003737.4(DCHS1):c.6076C>A (p.Pro2026Thr)

Gene: DCHS1 (dachsous cadherin-related 1; minus strand). Cytogenetic location: 11p15.4.
Variant type: single nucleotide variant.
Coding change: c.6076C>A on transcript NM_003737.4 (MANE Select); coding-DNA position 6076, C replaced by A.
Protein change: p.Pro2026Thr; replaces proline 2026 with threonine.
Molecular consequence: missense variant.
Genome position (GRCh38, 1-based): chr11:6,626,963, G>T on the plus strand (C>A on the coding strand, the complement: DCHS1 is on the minus strand). VCF-style: chr11-6626963-G-T. GRCh37 (hg19) VCF-style: chr11-6648194-G-T.
Other names: short protein forms P2026T.
Identifiers: ClinVar variation 3655613 (VCV003655613.2).

ClinVar aggregate classification (germline): Uncertain significance (1 of 4 stars; one submission).

Submission:

Labcorp Genetics (formerly Invitae), Labcorp
Classification: Uncertain significance. Last evaluated: 2024-11-05. Review status: criteria provided, single submitter. Criteria: Invitae Variant Classification Sherloc (09022015). Collection method: clinical testing. Allele origin: germline.
Comment: This sequence change replaces proline, which is neutral and non-polar, with threonine, which is neutral and polar, at codon 2026 of the DCHS1 protein (p.Pro2026Thr). This variant is not present in population databases (gnomAD no frequency). This variant has not been reported in the literature in individuals affected with DCHS1-related conditions. Invitae Evidence Modeling of protein sequence and biophysical properties (such as structural, functional, and spatial information, amino acid conservation, physicochemical variation, residue mobility, and thermodynamic stability) has been performed for this missense variant. However, the output from this modeling did not meet the statistical confidence thresholds required to predict the impact of this variant on DCHS1 protein function. In summary, the available evidence is currently insufficient to determine the role of this variant in disease. Therefore, it has been classified as a Variant of Uncertain Significance.